The following is an entry in ClinVar:

ClinVar aggregate classification (germline): Benign/Likely benign. Review status: criteria provided, multiple submitters, no conflicts (2 of 4 stars). 5 submissions from 5 submitters: Benign (2); Likely benign (2). 1 of the submissions does not count toward it. Last evaluated 2025-12-08.

Conditions:
Pulmonary hypertension, primary, 1 (PPH1). Also called: Pulmonary hypertension, familial primary, 1, with or without HHT. Identifiers: Orphanet 422, MedGen C4552070, MONDO:0024533, OMIM 178600.
BMPR2-related disorder. Also called: BMPR2-related condition; BMPR2-related disorders.
Primary pulmonary hypertension. Also called: Idiopathic pulmonary hypertension. Identifiers: MedGen C0152171.

Allele frequency attached by ClinVar (database versions not stated): gnomAD 0.00020 and 0.00031; gnomAD exomes 0.00035 and 0.00061; TOPMed 0.00038; ExAC 0.00061; 1000 Genomes Project 0.00140; 1000 Genomes Project 30x 0.00172.
gnomAD v4.1: 549 of 1,612,894 alleles (0.034%); highest among the groups gnomAD compares: East Asian, 1.2%; 3 homozygotes.

Submissions (5):

Labcorp Genetics (formerly Invitae), Labcorp
Classification: Benign for Primary pulmonary hypertension. Last evaluated: 2025-12-08. Review status: criteria provided, single submitter. Criteria: Invitae Variant Classification Sherloc (09022015). Collection method: clinical testing. Allele origin: germline.

Blueprint Genetics
Classification: Likely benign. Last evaluated: 2024-11-08. Review status: criteria provided, single submitter. Criteria: ACMG Guidelines, 2015. Collection method: clinical testing. Allele origin: germline.

ARUP Laboratories, Molecular Genetics and Genomics, ARUP Laboratories
Classification: Likely benign. Last evaluated: 2024-05-30. Review status: criteria provided, single submitter. Criteria: ARUP Molecular Germline Variant Investigation Process 2024. Collection method: clinical testing. Allele origin: germline.

Illumina Laboratory Services, Illumina
Classification: Benign for Pulmonary hypertension, primary, 1. Last evaluated: 2018-01-13. Review status: criteria provided, single submitter. Criteria: ICSL Variant Classification Criteria 13 December 2019. Collection method: clinical testing. Allele origin: germline.
Comment: This variant was observed in the ICSL laboratory as part of a predisposition screen in an ostensibly healthy population. It had not been previously curated by ICSL or reported in the Human Gene Mutation Database (HGMD: prior to June 1st, 2018), and was therefore a candidate for classification through an automated scoring system. Utilizing variant allele frequency, disease prevalence and penetrance estimates, and inheritance mode, an automated score was calculated to assess if this variant is too frequent to cause the disease. Based on the score and internal cut-off values, a variant classified as benign is not then subjected to further curation. The score for this variant resulted in a classification of benign for this disease.

PreventionGenetics, part of Exact Sciences
Classification: Likely benign for BMPR2-related condition. Last evaluated: 2024-05-21. Review status: no assertion criteria provided. Collection method: clinical testing. Allele origin: germline. Not counted in ClinVar's aggregate classification.
Comment: This variant is classified as likely benign based on ACMG/AMP sequence variant interpretation guidelines (Richards et al. 2015 PMID: 25741868, with internal and published modifications).

NM_001204.7(BMPR2):c.621+8T>C

Gene: BMPR2 (bone morphogenetic protein receptor type 2; plus strand). Cytogenetic location: 2q33.2.
Variant type: single nucleotide variant.
Coding change: c.621+8T>C on transcript NM_001204.7 (MANE Select); 8 bases into the intron after coding-DNA position 621, T replaced by C.
Molecular consequence: intron variant.
Genome position (GRCh38, 1-based): chr2:202,514,987, T>C. VCF-style: chr2-202514987-T-C. GRCh37 (hg19) VCF-style: chr2-203379710-T-C.
Other names: c.621+8T>C (LRG_712t1).
Identifiers: ClinVar variation 333639 (VCV000333639.18), dbSNP rs117575598, ClinGen allele CA2061158.